The following is an entry in ClinVar:

NM_002691.4(POLD1):c.1705del (p.Leu568_Leu569insTer)

Gene: POLD1 (DNA polymerase delta 1, catalytic subunit; plus strand). Cytogenetic location: 19q13.33.
Variant type: Deletion.
Coding change: c.1705del on transcript NM_002691.4 (MANE Select); coding-DNA position 1705, one base deleted (C; older notation c.1705delC).
Protein change: p.Leu568_Leu569insTer.
Molecular consequence: nonsense. On other transcripts: non-coding transcript variant (1).
Genome position (GRCh38, 1-based): chr19:50,407,345, C deleted. VCF-style (leftmost placement, unchanged base first): chr19-50407344-GC-G. GRCh37 (hg19) VCF-style: chr19-50910601-GC-G.
Other names: c.1705del, p.Leu568_Leu569insTer (NM_001256849.1, NM_001308632.1).
Identifiers: ClinVar variation 3722825 (VCV003722825.2).

ClinVar aggregate classification (germline): Uncertain significance (1 of 4 stars; one submission).

Conditions:
POLD1-related polyposis and colorectal cancer syndrome (CRCS10). Also called: Colorectal cancer 10; COLORECTAL CANCER, SUSCEPTIBILITY TO, ON CHROMOSOME 19q; Colorectal cancer, susceptibility to, 10. Identifiers: Orphanet 220460, MedGen C2675481, MONDO:0012953, OMIM 612591.

Submission:

Labcorp Genetics (formerly Invitae), Labcorp
Classification: Uncertain significance for POLD1-related polyposis and colorectal cancer syndrome. Last evaluated: 2024-10-13. Review status: criteria provided, single submitter. Criteria: Invitae Variant Classification Sherloc (09022015). Collection method: clinical testing. Allele origin: germline.
Comment: This sequence change creates a premature translational stop signal (p.Leu569*) in the POLD1 gene. Missense variants that disrupt the 3'-5' exonuclease (proof-reading) activity of the POLD1 protein are associated with PPAP (polymerase proofreading–associated polyposis) (PMID: 23263490, 23447401). However, loss-of-function variants that result in an absent or severely disrupted POLD1 protein, and missense variants outside the exonuclease domain, are unlikely to be associated with PPAP. This variant is not present in population databases (gnomAD no frequency). This variant has not been reported in the literature in individuals affected with POLD1-related conditions. In summary, the available evidence is currently insufficient to determine the role of this variant in disease. Therefore, it has been classified as a Variant of Uncertain Significance.

Literature cited by the submitters: PubMed 23263490; PubMed 23447401.